The following is an entry in ClinVar:

NM_016239.4(MYO15A):c.9702C>T (p.Asp3234=)

Gene: MYO15A (myosin XVA; plus strand). Cytogenetic location: 17p11.2.
Variant type: single nucleotide variant.
Coding change: c.9702C>T on transcript NM_016239.4 (MANE Select); coding-DNA position 9702, C replaced by T.
Protein change: p.Asp3234=; no amino-acid change (aspartic acid 3234 retained).
Molecular consequence: synonymous variant.
Genome position (GRCh38, 1-based): chr17:18,163,753, C>T. VCF-style: chr17-18163753-C-T. GRCh37 (hg19) VCF-style: chr17-18067067-C-T.
Identifiers: ClinVar variation 667136 (VCV000667136.14), dbSNP rs768813635, ClinGen allele CA8425659.
Genomic context (GRCh38, chr17:18,163,753, plus strand): 5'-GAGGTCAAGCCCAACTGGCATGGCCTCATCTCTTCCGCCCCACCCCCAGGTGGCCCTGGA[C>T]GTGGTGGAAGAGATATGTGCTGAGATGGCTCTGACACGCCCTGAGGCCTTCAATGAATAT-3'
Protein context (NP_057323.3, residues 3224-3244): LKIKTCTVAL[Asp3234=]VVEEICAEMA

ClinVar aggregate classification (germline): Likely benign. Review status: criteria provided, multiple submitters, no conflicts (2 of 4 stars). 4 submissions from 4 submitters: Likely benign (4). Last evaluated 2025-12-30.

Allele frequency attached by ClinVar (database versions not stated): gnomAD 0.00003; TOPMed 0.00016; ExAC 0.00026; gnomAD exomes 0.00029.

Submissions (4):

Labcorp Genetics (formerly Invitae), Labcorp
Classification: Likely benign. Last evaluated: 2025-12-30. Review status: criteria provided, single submitter. Criteria: Invitae Variant Classification Sherloc (09022015). Collection method: clinical testing. Allele origin: germline.

Blueprint Genetics
Classification: Likely benign. Last evaluated: 2022-08-18. Review status: criteria provided, single submitter. Criteria: ACMG Guidelines, 2015. Collection method: clinical testing. Allele origin: germline.

GeneDx
Classification: Likely benign. Last evaluated: 2018-09-26. Review status: criteria provided, single submitter. Criteria: GeneDx Variant Classification Process June 2021. Collection method: clinical testing. Allele origin: germline. Affected: yes.

Laboratory for Molecular Medicine, Mass General Brigham Personalized Medicine
Classification: Likely benign. Last evaluated: 2017-08-23. Review status: criteria provided, single submitter. Criteria: LMM Criteria. Collection method: clinical testing. Allele origin: germline. Observed: 1 variant allele.
Comment: p.Asp3234Asp in exon 60 of MYO15A: This variant is not expected to have clinical significance because it does not alter an amino acid residue and is not located within the splice consensus sequence. It has been identified in 0.23% (24/10290 ) of Latino chromosomes by the Exome Aggregation Consortium (ExAC; dbSNP rs768813635).